The following is an entry in ClinVar:

NM_006904.7(PRKDC):c.1655C>G (p.Ser552Cys)

Gene: PRKDC (protein kinase, DNA-activated, catalytic subunit; minus strand). Cytogenetic location: 8q11.21.
Variant type: single nucleotide variant.
Coding change: c.1655C>G on transcript NM_006904.7 (MANE Select); coding-DNA position 1655, C replaced by G.
Protein change: p.Ser552Cys; replaces serine 552 with cysteine.
Molecular consequence: missense variant.
Genome position (GRCh38, 1-based): chr8:47,933,141, G>C on the plus strand (C>G on the coding strand, the complement: PRKDC is on the minus strand). VCF-style: chr8-47933141-G-C. GRCh37 (hg19) VCF-style: chr8-48845701-G-C.
Other names: c.1655C>G, p.Ser552Cys (NM_001081640.2); short protein forms S552C.
Identifiers: ClinVar variation 1777332 (VCV001777332.2), dbSNP rs1589802209, ClinGen allele CA371165157.

ClinVar aggregate classification (germline): Uncertain significance (1 of 4 stars; one submission).

Submission:

Ambry Genetics
Classification: Uncertain significance. Last evaluated: 2021-08-17. Review status: criteria provided, single submitter. Criteria: Ambry Variant Classification Scheme 2023. Collection method: clinical testing. Allele origin: germline.
Comment: The p.S552C variant (also known as c.1655C>G), located in coding exon 16 of the PRKDC gene, results from a C to G substitution at nucleotide position 1655. The serine at codon 552 is replaced by cysteine, an amino acid with dissimilar properties. This amino acid position is conserved. In addition, this alteration is predicted to be tolerated by in silico analysis. Since supporting evidence is limited at this time, the clinical significance of this alteration remains unclear.